The following is an entry in ClinVar:

ClinVar aggregate classification (germline): Uncertain significance. Review status: criteria provided, multiple submitters, no conflicts (2 of 4 stars). 2 submissions from 2 submitters: Uncertain significance (2). Last evaluated 2024-10-02.

Conditions:
Multiple endocrine neoplasia, type 2 (MEN2). Identifiers: Orphanet 653, MedGen C4048306, MONDO:0019003. Disease mechanism: gain of function.
Hereditary cancer-predisposing syndrome. Also called: Neoplastic Syndromes, Hereditary; Hereditary Cancer Syndrome; Hereditary neoplastic syndrome; Tumor predisposition. Identifiers: Orphanet 140162, MedGen C0027672, MeSH D009386, MONDO:0015356.

Allele frequency attached by ClinVar (database versions not stated): gnomAD exomes 0.00001.
gnomAD v4.1: 8 of 1,612,810 alleles (0.0005%); highest among the groups gnomAD compares: Non-Finnish European, 0.00068%; no homozygotes.

Submissions (2):

Labcorp Genetics (formerly Invitae), Labcorp
Classification: Uncertain significance for Multiple endocrine neoplasia, type 2. Last evaluated: 2024-10-02. Review status: criteria provided, single submitter. Criteria: Invitae Variant Classification Sherloc (09022015). Collection method: clinical testing. Allele origin: germline.
Comment: This sequence change replaces glycine, which is neutral and non-polar, with arginine, which is basic and polar, at codon 828 of the RET protein (p.Gly828Arg). This variant is not present in population databases (gnomAD no frequency). This variant has not been reported in the literature in individuals affected with RET-related conditions. ClinVar contains an entry for this variant (Variation ID: 477351). An algorithm developed to predict the effect of missense changes on protein structure and function (PolyPhen-2) suggests that this variant is likely to be disruptive. In summary, the available evidence is currently insufficient to determine the role of this variant in disease. Therefore, it has been classified as a Variant of Uncertain Significance.

Ambry Genetics
Classification: Uncertain significance for Hereditary cancer-predisposing syndrome. Last evaluated: 2024-08-26. Review status: criteria provided, single submitter. Criteria: Ambry Variant Classification Scheme 2023. Collection method: clinical testing. Allele origin: germline.
Comment: The p.G828R variant (also known as c.2482G>C), located in coding exon 14 of the RET gene, results from a G to C substitution at nucleotide position 2482. The glycine at codon 828 is replaced by arginine, an amino acid with dissimilar properties. This amino acid position is not well conserved in available vertebrate species. In addition, the in silico prediction for this alteration is inconclusive. Since supporting evidence is limited at this time, the clinical significance of this alteration remains unclear.

Literature cited by the submitters: PubMed 25122427 (cited by Ambry Genetics).

NM_020975.6(RET):c.2482G>C (p.Gly828Arg)

Gene: RET (ret proto-oncogene; plus strand). Cytogenetic location: 10q11.21.
Variant type: single nucleotide variant.
Coding change: c.2482G>C on transcript NM_020975.6 (MANE Select); coding-DNA position 2482, G replaced by C.
Protein change: p.Gly828Arg; replaces glycine 828 with arginine.
Molecular consequence: missense variant.
Genome position (GRCh38, 1-based): chr10:43,119,620, G>C. VCF-style: chr10-43119620-G-C. GRCh37 (hg19) VCF-style: chr10-43615068-G-C.
Other names: c.2482G>C, p.Gly828Arg (NM_000323.2, NM_001406743.1, NM_001406744.1 and 4 more transcripts); c.1720G>C, p.Gly574Arg (NM_001355216.2); c.2353G>C, p.Gly785Arg (NM_001406761.1, NM_001406762.1, NM_001406764.1); c.2347G>C, p.Gly783Arg (NM_001406763.1, NM_001406765.1); c.2194G>C, p.Gly732Arg (NM_001406766.1, NM_001406767.1, NM_001406770.1); c.2218G>C, p.Gly740Arg (NM_001406768.1); c.2086G>C, p.Gly696Arg (NM_001406769.1, NM_001406772.1); c.2044G>C, p.Gly682Arg (NM_001406771.1, NM_001406773.1); and 10 more; short protein forms G828R, G574R, G433R, G484R, G489R, G529R, G498R, G653R.
Identifiers: ClinVar variation 477351 (VCV000477351.12), dbSNP rs912196017, ClinGen allele CA206266606.
Genomic context (GRCh38, chr10:43,119,620, plus strand): 5'-AAATACGGCTCCCTGCGGGGCTTCCTCCGCGAGAGCCGCAAAGTGGGGCCTGGCTACCTG[G>C]GCAGTGGAGGCAGCCGCAACTCCAGCTCCCTGGACCACCCGGATGAGCGGGCCCTCACCA-3'
Protein context (NP_066124.1, residues 818-838): ESRKVGPGYL[Gly828Arg]SGGSRNSSSL